The following is an entry in ClinVar:

ClinVar aggregate classification (germline): Uncertain significance. Review status: reviewed by expert panel (3 of 4 stars). 14 submissions from 14 submitters: Uncertain significance (1). 13 of the submissions do not count toward it. Last evaluated 2026-11-19.

Conditions:
BRCA1-related cancer predisposition. Identifiers: MedGen CN377757, MONDO:0700268.
Hereditary cancer-predisposing syndrome. Also called: Tumor predisposition; Hereditary neoplastic syndrome; Neoplastic Syndromes, Hereditary; Hereditary Cancer Syndrome. Identifiers: Orphanet 140162, MedGen C0027672, MeSH D009386, MONDO:0015356.
Hereditary breast ovarian cancer syndrome. Also called: Breast and ovarian cancer; Hereditary breast and ovarian cancer syndrome; Hereditary breast and ovarian cancer syndrome (HBOC); Hereditary breast and/or ovarian cancer syndrome; BRCA1- and BRCA2-Associated Hereditary Breast and Ovarian Cancer; Hereditary breast and ovarian cancer. Identifiers: Orphanet 145, MedGen C0677776, MeSH D061325, MONDO:0003582. Disease mechanism: loss of function.
Breast-ovarian cancer, familial, susceptibility to, 1 (BROVCA1). Also called: OVARIAN CANCER, SUSCEPTIBILITY TO; BRCA1 Hereditary Breast and Ovarian Cancer. Identifiers: Orphanet 145, MedGen C2676676, MONDO:0011450, OMIM 604370. Disease mechanism: loss of function.

Submissions 1 to 6 of 15:

ClinGen ENIGMA BRCA1 and BRCA2 Variant Curation Expert Panel, ClinGen
Classification: Uncertain significance for BRCA1-related cancer predisposition. Last evaluated: 2026-11-19. Review status: reviewed by expert panel. Criteria: CSpec BRCA1/2ACMG Rules Specifications V1.2. Collection method: curation. Allele origin: germline. Inheritance: Autosomal dominant inheritance.
Comment: The c.301+1G>A variant is an intronic variant within the native donor 1,2 splice site occurring in intron 5(6) of the BRCA1 gene. The Total GrpMax filtering allele frequency (the lower threshold of the 95% CI) in gnomAD v4.1 is 0.00000247 in the Non-Finnish European genetic ancestry group (based on 7/1178920 alleles) which is below the ENIGMA BRCA1/2 VCEP threshold (>0.00002) for BS1_Supporting and does not meet any population code (BA1, BS1, BS1_Supporting, PM2_Supporting are not met). Intronic variant, functional data considered only from assays that measure effect via mRNA and protein. Reported by two calibrated studies with discordant results: shown by one calibrated study incorporating mRNA splicing effects to exhibit function similar to benign control variants (unpublished report, Dace and Findlay 2023). Variant also reported by another calibrated study incorporating mRNA splicing to exhibit a partial impact on protein function (intermediate homologous recombination activity at 40-45%) (Mesman et al., unpublished). Variant has also been reported to exhibit function similar to pathogenic control variants (PMID:30209399), however this result has been updated in the unpublished report by Dace and Findlay 2023 (see above) due to a technical issue (PS3 and BS3 not met). Multifactorial likelihood ratio analysis using clinically calibrated data produced a combined LR for this variant of 2.73 (based on Family History LR=10.3, Case control LR=0.265), within the thresholds for supporting evidence towards pathogenicity (LR ≥2.08 & <4.3) (PP4 met; PMIDs: 31853058, 40413188). This variant is reported to result in aberrant mRNA splicing. RT-PCRseq demonstrated that the variant impacts splicing by skipping part of exon 5(6) (r.293_301del, p.Gly98_Tyr101delinsAsp), which is in-frame. The percent of aberrant in-frame transcript produced was >45%, using a non-allele specific quantitative assessment with sequence analysis (Ambry internal data). The VCEP estimates up to 5% full-length transcript is produced by the variant allele. Code strength determined by comparison of results to PVS1 decision tree and assessment of mRNA splicing data (PVS1_Supporting (RNA) met). This variant has been observed in one individual with features considered inconsistent with an FA-associated phenotype, and (Likely) Pathogenic variant (BRCA1:c.843_846del, p.(Ser282TyrfsTer15) seen in trans, however this case did not meet the VCEP requirements for BS2 (total score 0 points, BS2 not met; Internal lab contributor). In summary, this variant meets the criteria to be classified as a Variant of uncertain significance for BRCA1-related cancer predisposition based on the ACMG/AMP criteria applied as specified by the ENIGMA BRCA1/2 VCEP (PP4, PVS1_Supporting (RNA)).

German Consortium for Hereditary Breast and Ovarian Cancer, University Hospital Cologne
Classification: Uncertain significance for Hereditary breast ovarian cancer syndrome. Last evaluated: 2026-06-09. Review status: criteria provided, single submitter. Criteria: ClinGen BRCA1 1.2.0. Collection method: curation. Allele origin: germline. Not counted in ClinVar's aggregate classification.
Comment: This classification follows the ClinGen ENIGMA BRCA1 v1.2.0 classification scheme; We chose these criteria: PVS1 (supporting pathogenic): acc. to decision tree; in-frame transcript with a 9-bp deletion observed in patients, PP4 (medium pathogenic): Combined LR acc. to UCSC 10,29, BS3 (strong benign): Intronic variant, functional data considered only from assays that measure effect via mRNA and protein. Reported by one calibrated study incorporating mRNA splicing effects to exhibit function similar to pathogenic control variants (PMID:30209399), however this has been updated in an interim report, with explained methodological differences, to exhibit function similar to benign controls (unpublished report, Dace and Findlay 2023) (BS3 met).

Labcorp Genetics (formerly Invitae), Labcorp
Classification: Uncertain significance for Hereditary breast ovarian cancer syndrome. Last evaluated: 2025-08-13. Review status: criteria provided, single submitter. Criteria: Invitae Variant Classification Sherloc (09022015). Collection method: clinical testing. Allele origin: germline. Not counted in ClinVar's aggregate classification.
Comment: This sequence change affects a donor splice site in intron 5 of the BRCA1 gene. RNA analysis indicates that disruption of this splice site induces altered splicing and likely results in the loss of 4 and insertion of 1 amino acid residue(s), but is expected to preserve the integrity of the reading-frame. This variant is present in population databases (rs587782173, gnomAD 0.0009%). Disruption of this splice site has been observed in individual(s) with BRCA1-related conditions (PMID: 27836010, 29446198). ClinVar contains an entry for this variant (Variation ID: 142004). Studies have shown that disruption of this splice site results in the activation of a cryptic splice site in exon 5 (internal data). In summary, the available evidence is currently insufficient to determine the role of this variant in disease. Therefore, it has been classified as a Variant of Uncertain Significance.

Ambry Genetics
Classification: Uncertain significance for Hereditary cancer-predisposing syndrome. Last evaluated: 2025-05-02. Review status: criteria provided, single submitter. Criteria: Ambry Variant Classification Scheme 2023. Collection method: clinical testing. Allele origin: germline. Not counted in ClinVar's aggregate classification.
Comment: The c.301+1G>A intronic variant results from a G to A substitution one nucleotide after coding exon 4 of the BRCA1 gene. This variant has been reported in individuals diagnosed with breast, prostate, and pancreatic cancer (Rebbeck TR et al. Breast Cancer Res, 2016 11;18(1):112; Na R et al. Eur Urol, 2017 05;71:740-747; Alimirzaie S et al. Arch Iran Med, 2018 06;21:228-233), as well as individuals from control groups in multiple studies (Hu C et al. JAMA, 2018 Jun;319:2401-2409; Dorling et al. N Engl J Med. 2021 02;384:428-439; Nguyen-Dumont T et al. Cancers (Basel), 2021 Mar;13:; Southey MC et al. NPJ Breast Cancer, 2021 Dec;7:153). This nucleotide position is highly conserved in available vertebrate species. In silico splice site analysis predicts that this alteration will weaken the native splice donor site. Alterations at this donor site are known to produce an in-frame transcript impacting four amino acids in the BRCA1 RING domain (Ambry internal data). One functional study found that nucleotide substitutions at this donor site are non-functional in a high-throughput, genome editing, haploid cell survival assay (Findlay GM et al. Nature, 2018 10;562:217-222). Based on the available evidence, the clinical significance of this variant remains unclear.

Hereditary Cancer Clinic, Medical College of Georgia
Classification: Likely pathogenic for Breast-ovarian cancer, familial, susceptibility to, 1. Last evaluated: 2024-08-20. Review status: criteria provided, single submitter. Criteria: ACMG Guidelines, 2015. Collection method: clinical testing. Allele origin: germline. Inheritance: Autosomal dominant inheritance. Affected: yes. Observed: 1 heterozygote. Not counted in ClinVar's aggregate classification.
Comment: PS3 Well-established in vitro or in vivo functional studies supportive of a damaging effect on the gene or gene product. PM1 Located in a mutational hot spot and/or critical and well-established functional domain (e.g., active site of an enzyme) without benign variation. PM4 Protein length changes as a result of in-frame deletions/insertions in a nonrepeat region or stop-loss variants. PP4 Patient’s phenotype or family history is highly specific for a disease with a single genetic etiology. BP2 Observed in trans with a pathogenic variant for a fully penetrant dominant gene/disorder or observed in cis with a pathogenic variant in any inheritance pattern.

Molecular Pathology, Peter Maccallum Cancer Centre
Classification: Uncertain significance for Breast-ovarian cancer, familial, susceptibility to, 1. Last evaluated: 2024-04-24. Review status: criteria provided, single submitter. Criteria: ACMG Guidelines, 2015. Collection method: clinical testing. Allele origin: germline. Inheritance: Autosomal dominant inheritance. Not counted in ClinVar's aggregate classification.

NM_007294.4(BRCA1):c.301+1G>A

Gene: BRCA1 (BRCA1 DNA repair associated; minus strand). Cytogenetic location: 17q21.31.
Variant type: single nucleotide variant.
Coding change: c.301+1G>A on transcript NM_007294.4 (MANE Select); the canonical splice donor site of the intron after coding-DNA position 301, G replaced by A.
Molecular consequence: splice donor variant. On other transcripts: intron variant (5).
Genome position (GRCh38, 1-based): chr17:43,104,867, C>T on the plus strand (G>A on the coding strand, the complement: BRCA1 is on the minus strand). VCF-style: chr17-43104867-C-T. GRCh37 (hg19) VCF-style: chr17-41256884-C-T.
Other names: c.223+1G>A (NM_001408414.1, NM_001408411.1, NM_001407655.1 and 21 more transcripts); c.91+1G>A (NM_001407956.1, NM_001407897.1, NM_001407947.1 and 58 more transcripts); c.301+1G>A (NM_001408447.1, NM_001408433.1, NM_001407690.1 and 164 more transcripts); c.160+1G>A (NM_001407724.1, NM_001407697.1, NM_001407838.1 and 99 more transcripts); c.-218-10007G>A (NM_001407967.1, NM_001407966.1); c.-81+1G>A (NM_001407959.1, NM_001407962.1, NM_001408512.1 and 4 more transcripts); c.169+1G>A (NM_001408451.1); c.292+10G>A (NM_001408408.1, NM_001407647.1, NM_001407646.1).
Identifiers: ClinVar variation 142004 (VCV000142004.40), dbSNP rs587782173, ClinGen allele CA001964.